The following is an entry in ClinVar:

NM_005609.4(PYGM):c.1468C>T (p.Arg490Trp)

Gene: PYGM (glycogen phosphorylase, muscle associated; minus strand). Cytogenetic location: 11q13.1.
Variant type: single nucleotide variant.
Coding change: c.1468C>T on transcript NM_005609.4 (MANE Select); coding-DNA position 1468, C replaced by T.
Protein change: p.Arg490Trp; replaces arginine 490 with tryptophan.
Molecular consequence: missense variant.
Genome position (GRCh38, 1-based): chr11:64,753,123, G>A on the plus strand (C>T on the coding strand, the complement: PYGM is on the minus strand). VCF-style: chr11-64753123-G-A. GRCh37 (hg19) VCF-style: chr11-64520595-G-A.
Other names: c.1204C>T, p.Arg402Trp (NM_001164716.1); short protein forms R402W, R490W.
Identifiers: ClinVar variation 2637160 (VCV002637160.10), dbSNP rs765612286, ClinGen allele CA6079852.

ClinVar aggregate classification (germline): Conflicting classifications of pathogenicity. Review status: criteria provided, conflicting classifications (1 of 4 stars). 6 submissions from 6 submitters: Pathogenic (1); Likely pathogenic (3); Uncertain significance (2). Last evaluated 2025-12-08.

Conditions:
Glycogen storage disease, type V (GSD5). Also called: McArdle type glycogen storage disease; MCARDLE DISEASE; MUSCLE GLYCOGEN PHOSPHORYLASE DEFICIENCY; MYOPHOSPHORYLASE DEFICIENCY; PYGM DEFICIENCY. Identifiers: Orphanet 368, MedGen C0017924, MONDO:0009293, OMIM 232600.
PYGM-related disorder. Also called: PYGM-related condition.

Allele frequency attached by ClinVar (database versions not stated): gnomAD exomes below 0.00001; TOPMed below 0.00001; ExAC 0.00001; gnomAD 0.00001.
gnomAD v4.1: 7 of 1,614,038 alleles (0.00043%); highest among the groups gnomAD compares: South Asian, 0.0022%; no homozygotes.

Submissions (6):

Labcorp Genetics (formerly Invitae), Labcorp
Classification: Pathogenic for Glycogen storage disease, type V. Last evaluated: 2025-12-08. Review status: criteria provided, single submitter. Criteria: Invitae Variant Classification Sherloc (09022015). Collection method: clinical testing. Allele origin: germline.
Comment: This sequence change replaces arginine, which is basic and polar, with tryptophan, which is neutral and slightly polar, at codon 490 of the PYGM protein (p.Arg490Trp). This variant is present in population databases (rs765612286, gnomAD 0.006%). This missense change has been observed in individuals with glycogen storage disease (PMID: 17221871, 29143597). ClinVar contains an entry for this variant (Variation ID: 2637160). Invitae Evidence Modeling of protein sequence and biophysical properties (such as structural, functional, and spatial information, amino acid conservation, physicochemical variation, residue mobility, and thermodynamic stability) indicates that this missense variant is expected to disrupt PYGM protein function with a positive predictive value of 95%. This variant disrupts the p.Arg490 amino acid residue in PYGM. Other variant(s) that disrupt this residue have been determined to be pathogenic (PMID: 17324573). This suggests that this residue is clinically significant, and that variants that disrupt this residue are likely to be disease-causing. For these reasons, this variant has been classified as Pathogenic.

Natera, Inc.
Classification: Likely pathogenic for Glycogen storage disease V. Last evaluated: 2025-10-21. Review status: criteria provided, single submitter. Criteria: Natera Variant Classification Schema (03/2026). Collection method: clinical testing. Allele origin: germline.
Comment: The c.1468C>T variant in PYGM is a missense variant predicted to cause substitution of arginine to tryptophan at amino acid 490. This variant is rare in the general population with a frequency below the threshold expected for the associated phenotype(s). This variant has been observed in one or more individuals affected with the associated recessive disease, as either homozygous or compound heterozygous with a second variant (PMID: 17221871, 29143597). Functional studies show that this variant may disrupt protein function (PMID: 8845714, 7783763). Computational prediction algorithms indicate this variant is likely to affect gene or protein function. Given the available evidence, this variant is classified as Likely Pathogenic.

Women's Health and Genetics/Laboratory Corporation of America, LabCorp
Classification: Uncertain significance. Last evaluated: 2025-06-20. Review status: criteria provided, single submitter. Criteria: LabCorp Variant Classification Summary - May 2015. Collection method: clinical testing. Allele origin: germline.
Comment: Variant summary: PYGM c.1468C>T (p.Arg490Trp) results in a non-conservative amino acid change in the encoded protein sequence. Algorithms developed to predict the effect of missense changes on protein structure and function all suggest that this variant is likely to be disruptive. The variant allele was found at a frequency of 8e-06 in 251484 control chromosomes. c.1468C>T has been reported in the literature in individuals affected with Glycogen Storage Disease, Type V (Rubio_2007, Santalla_2017). These data indicate that the variant may be associated with disease. To our knowledge, no experimental evidence demonstrating an impact on protein function has been reported. The following publications have been ascertained in the context of this evaluation (PMID: 17221871, 29143597). ClinVar contains an entry for this variant (Variation ID: 2637160). Based on the evidence outlined above, the variant was classified as VUS-possibly pathogenic.

Myriad Genetics, Inc.
Classification: Likely pathogenic for Glycogen storage disease, type V. Last evaluated: 2025-04-04. Review status: criteria provided, single submitter. Criteria: Myriad Autosomal Dominant, Autosomal Recessive and X-Linked Classification Criteria (2023). Collection method: clinical testing. Allele origin: unknown.
Comment: NM_005609.2(PYGM):c.1468C>T(R490W) is a missense variant classified as a likely pathogenic in the context of glycogen storage disease, PYGM-related. R490W has been observed in cases with relevant disease (PMID: 17221871 and 29143597). Relevant functional assessments of this variant are available in the literature (PMID: 8845714). R490W has been observed in referenced population frequency databases. In summary, NM_005609.2(PYGM):c.1468C>T(R490W) is a missense variant that has been observed more frequently in cases with relevant disease than healthy populations. Please note: this variant was assessed in the context of healthy population screening.

Baylor Genetics
Classification: Likely pathogenic for Glycogen storage disease, type V. Last evaluated: 2024-03-03. Review status: criteria provided, single submitter. Criteria: ACMG Guidelines, 2015. Collection method: clinical testing. Allele origin: unknown.

PreventionGenetics, part of Exact Sciences
Classification: Uncertain significance for PYGM-related condition. Last evaluated: 2022-09-12. Review status: criteria provided, single submitter. Criteria: ACMG Guidelines, 2015. Collection method: clinical testing. Allele origin: germline.
Comment: The PYGM c.1468C>T variant is predicted to result in the amino acid substitution p.Arg490Trp. This variant was reported in the compound heterozygous state in an individual with McArdle disease; however, pathogenicity was not established (Rubio et al 2007. PubMed ID: 17221871). This variant is reported in 0.0054% of alleles in individuals of East Asian descent in gnomAD. Although we suspect that this variant may be pathogenic, at this time, the clinical significance of this variant is uncertain due to the absence of conclusive functional and genetic evidence.

Literature cited by the submitters: PubMed 17221871 (cited by 3 submitters); PubMed 29143597 (cited by 3 submitters); PubMed 17324573 (cited by Labcorp Genetics (formerly Invitae), Labcorp); PubMed 8845714 (cited by Natera, Inc. and Myriad Genetics, Inc.); PubMed 7783763 (cited by Natera, Inc.).